The following is an entry in ClinVar:

NM_194248.3(OTOF):c.4408C>T (p.Arg1470Trp)

Gene: OTOF (otoferlin; minus strand). Cytogenetic location: 2p23.3.
Variant type: single nucleotide variant.
Coding change: c.4408C>T on transcript NM_194248.3 (MANE Select); coding-DNA position 4408, C replaced by T.
Protein change: p.Arg1470Trp; replaces arginine 1470 with tryptophan.
Molecular consequence: missense variant.
Genome position (GRCh38, 1-based): chr2:26,466,806, G>A on the plus strand (C>T on the coding strand, the complement: OTOF is on the minus strand). VCF-style: chr2-26466806-G-A. GRCh37 (hg19) VCF-style: chr2-26689674-G-A.
Other names: c.4408C>T, p.Arg1470Trp (NM_001287489.2); c.2107C>T, p.Arg703Trp (NM_004802.4, NM_194323.3); c.2338C>T, p.Arg780Trp (NM_194322.3); short protein forms R1470W, R703W, R780W.
Identifiers: ClinVar variation 1699846 (VCV001699846.3), dbSNP rs141084986, ClinGen allele CA1563175.

ClinVar aggregate classification (germline): Uncertain significance (1 of 4 stars; one submission).

Allele frequency attached by ClinVar (database versions not stated): TOPMed 0.00009; ESP Exome Variant Server 0.00015; gnomAD exomes 0.00008; ExAC 0.00009; gnomAD 0.00009 and 0.00010.

Submission:

GeneDx
Classification: Uncertain significance. Last evaluated: 2023-09-28. Review status: criteria provided, single submitter. Criteria: GeneDx Variant Classification Process June 2021. Collection method: clinical testing. Allele origin: germline.
Comment: In silico analysis supports that this missense variant has a deleterious effect on protein structure/function; Has not been previously published as pathogenic or benign to our knowledge